The following is an entry in ClinVar:

NM_006739.4(MCM5):c.1449C>T (p.Ser483=)

Gene: MCM5 (minichromosome maintenance complex component 5; plus strand). Cytogenetic location: 22q12.3.
Variant type: single nucleotide variant.
Coding change: c.1449C>T on transcript NM_006739.4 (MANE Select); coding-DNA position 1449, C replaced by T.
Protein change: p.Ser483=; no amino-acid change (serine 483 retained).
Molecular consequence: synonymous variant.
Genome position (GRCh38, 1-based): chr22:35,416,673, C>T. VCF-style: chr22-35416673-C-T. GRCh37 (hg19) VCF-style: chr22-35812666-C-T.
Other names: c.1449C>T (NM_006739.3).
Identifiers: ClinVar variation 2890816 (VCV002890816.5), dbSNP rs769921753, ClinGen allele CA10205388.

ClinVar aggregate classification (germline): Likely benign. Review status: criteria provided, single submitter (1 of 4 stars). 2 submissions from 2 submitters: Likely benign (1). 1 of the submissions does not count toward it. Last evaluated 2024-09-05.

Conditions:
MCM5-related disorder. Also called: MCM5-related condition.

Allele frequency attached by ClinVar (database versions not stated): ExAC 0.00001; gnomAD exomes 0.00002; gnomAD 0.00003; TOPMed 0.00003.
gnomAD v4.1: 33 of 1,613,930 alleles (0.002%); highest among the groups gnomAD compares: South Asian, 0.0077%; no homozygotes.

Submissions (2):

Labcorp Genetics (formerly Invitae), Labcorp
Classification: Likely benign. Last evaluated: 2024-09-05. Review status: criteria provided, single submitter. Criteria: Invitae Variant Classification Sherloc (09022015). Collection method: clinical testing. Allele origin: germline.

PreventionGenetics, part of Exact Sciences
Classification: Likely benign for MCM5-related condition. Last evaluated: 2019-05-06. Review status: no assertion criteria provided. Collection method: clinical testing. Allele origin: germline. Not counted in ClinVar's aggregate classification.
Comment: This variant is classified as likely benign based on ACMG/AMP sequence variant interpretation guidelines (Richards et al. 2015 PMID: 25741868, with internal and published modifications).